The following is an entry in ClinVar:

ClinVar aggregate classification (germline): Uncertain significance (1 of 4 stars; one submission).

gnomAD v4.1: 45 of 1,613,856 alleles (0.0028%); highest among the groups gnomAD compares: Admixed American, 0.005%; no homozygotes.

Submission:

Ambry Genetics
Classification: Uncertain significance. Last evaluated: 2025-11-26. Review status: criteria provided, single submitter. Criteria: Ambry Variant Classification Scheme 2023. Collection method: clinical testing. Allele origin: germline.
Comment: The c.6278T>G (p.L2093W) alteration is located in exon 33 (coding exon 33) of the AHCTF1 gene. This alteration results from a T to G substitution at nucleotide position 6278, causing the leucine (L) at amino acid position 2093 to be replaced by a tryptophan (W). Based on data from gnomAD, the G allele has an overall frequency of 0.002% (6/251150) total alleles studied. The highest observed frequency was 0.016% (1/6128) of Other alleles. Based on insufficient or conflicting evidence, the clinical significance of this alteration remains unclear.

NM_001323342.2(AHCTF1):c.6251T>G (p.Leu2084Trp)

Gene: AHCTF1 (AT-hook containing transcription factor 1; minus strand). Cytogenetic location: 1q44.
Variant type: single nucleotide variant.
Coding change: c.6251T>G on transcript NM_001323342.2 (MANE Select); coding-DNA position 6251, T replaced by G.
Protein change: p.Leu2084Trp; replaces leucine 2084 with tryptophan.
Molecular consequence: missense variant. On other transcripts: non-coding transcript variant (1).
Genome position (GRCh38, 1-based): chr1:246,849,755, A>C on the plus strand (T>G on the coding strand, the complement: AHCTF1 is on the minus strand). VCF-style: chr1-246849755-A-C. GRCh37 (hg19) VCF-style: chr1-247013057-A-C.
Other names: c.6251T>G, p.Leu2084Trp (NM_001323343.2); c.6356T>G, p.Leu2119Trp (NM_001410950.1); c.6278T>G, p.Leu2093Trp (NM_015446.5); short protein forms L2084W, L2093W, L2119W.
Identifiers: ClinVar variation 4639072 (VCV004639072.1).